The following is an entry in ClinVar:

NM_018993.4(RIN2):c.1049G>A (p.Gly350Glu)

Gene: RIN2 (Ras and Rab interactor 2; plus strand). Cytogenetic location: 20p11.23.
Variant type: single nucleotide variant.
Coding change: c.1049G>A on transcript NM_018993.4 (MANE Select); coding-DNA position 1049, G replaced by A.
Protein change: p.Gly350Glu; replaces glycine 350 with glutamic acid.
Molecular consequence: missense variant.
Genome position (GRCh38, 1-based): chr20:19,975,074, G>A. VCF-style: chr20-19975074-G-A. GRCh37 (hg19) VCF-style: chr20-19955718-G-A.
Other names: c.1196G>A, p.Gly399Glu (NM_001242581.2); c.431G>A, p.Gly144Glu (NM_001378238.1); short protein forms G350E, G144E, G399E.
Identifiers: ClinVar variation 2603451 (VCV002603451.3), dbSNP rs2515510359, ClinGen allele CA408361637.
Genomic context (GRCh38, chr20:19,975,074, plus strand): 5'-CCCAGACGAGCATGCCAGAAACAGTCAACCATAACAAACATGGGAACGTAGCTCTGCCTG[G>A]AACGAAACCAACTCCCATCCCTCCACCCCGGCTGAAGAAGCAGGCTTCTTTTCTGGAAGC-3'
Protein context (NP_061866.1, residues 340-360): HNKHGNVALP[Gly350Glu]TKPTPIPPPR

ClinVar aggregate classification (germline): Uncertain significance. Review status: criteria provided, multiple submitters, no conflicts (2 of 4 stars). 2 submissions from 2 submitters: Uncertain significance (2). Last evaluated 2023-07-12.

Conditions:
Inborn genetic diseases. Identifiers: MedGen C0950123, MeSH D030342.

Allele frequency attached by ClinVar (database versions not stated): gnomAD exomes below 0.00001.
gnomAD v4.1: 4 of 1,613,542 alleles (0.00025%); highest among the groups gnomAD compares: Non-Finnish European, 0.00034%; no homozygotes.

Submissions (2):

Ambry Genetics
Classification: Uncertain significance for Inborn genetic diseases. Last evaluated: 2023-07-12. Review status: criteria provided, single submitter. Criteria: Ambry Variant Classification Scheme 2023. Collection method: clinical testing. Allele origin: germline.

GeneDx
Classification: Uncertain significance. Last evaluated: 2023-06-22. Review status: criteria provided, single submitter. Criteria: GeneDx Variant Classification Process June 2021. Collection method: clinical testing. Allele origin: germline. Affected: yes.
Comment: Not observed at significant frequency in large population cohorts (gnomAD); In silico analysis supports that this missense variant does not alter protein structure/function; Has not been previously published as pathogenic or benign to our knowledge